The following is an entry in ClinVar:

NM_004444.5(EPHB4):c.174C>A (p.Tyr58Ter)

Gene: EPHB4 (EPH receptor B4; minus strand). Cytogenetic location: 7q22.1.
Variant type: single nucleotide variant.
Coding change: c.174C>A on transcript NM_004444.5 (MANE Select); coding-DNA position 174, C replaced by A.
Protein change: p.Tyr58Ter; replaces tyrosine 58 with a stop codon.
Molecular consequence: nonsense.
Genome position (GRCh38, 1-based): chr7:100,823,881, G>T on the plus strand (C>A on the coding strand, the complement: EPHB4 is on the minus strand). VCF-style: chr7-100823881-G-T. GRCh37 (hg19) VCF-style: chr7-100421503-G-T.
Other names: short protein forms Y58*.
Identifiers: ClinVar variation 1459131 (VCV001459131.6), dbSNP rs749250094, ClinGen allele CA368584590.

ClinVar aggregate classification (germline): Pathogenic (1 of 4 stars; one submission).

gnomAD v4.1: 1 of 1,610,024 alleles (0.000062%); highest among the groups gnomAD compares: Non-Finnish European, 0.000085%; no homozygotes.

Submission:

Labcorp Genetics (formerly Invitae), Labcorp
Classification: Pathogenic. Last evaluated: 2023-06-05. Review status: criteria provided, single submitter. Criteria: Invitae Variant Classification Sherloc (09022015). Collection method: clinical testing. Allele origin: germline.
Comment: This variant has not been reported in the literature in individuals affected with EPHB4-related conditions. This variant is not present in population databases (gnomAD no frequency). This sequence change creates a premature translational stop signal (p.Tyr58*) in the EPHB4 gene. It is expected to result in an absent or disrupted protein product. Loss-of-function variants in EPHB4 are known to be pathogenic (PMID: 28687708). ClinVar contains an entry for this variant (Variation ID: 1459131). For these reasons, this variant has been classified as Pathogenic.

Literature cited by the submitters: PubMed 28687708.